The following is an entry in ClinVar:

NM_152383.5(DIS3L2):c.424C>A (p.Pro142Thr)

Gene: DIS3L2 (DIS3 like 3'-5' exoribonuclease 2; plus strand). Cytogenetic location: 2q37.1.
Variant type: single nucleotide variant.
Coding change: c.424C>A on transcript NM_152383.5 (MANE Select); coding-DNA position 424, C replaced by A.
Protein change: p.Pro142Thr; replaces proline 142 with threonine.
Molecular consequence: missense variant. On other transcripts: non-coding transcript variant (2).
Genome position (GRCh38, 1-based): chr2:232,087,544, C>A. VCF-style: chr2-232087544-C-A. GRCh37 (hg19) VCF-style: chr2-232952254-C-A.
Other names: c.424C>A, p.Pro142Thr (NM_001257281.2, NM_001257282.2); short protein forms P142T.
Identifiers: ClinVar variation 241981 (VCV000241981.10), dbSNP rs878855227, ClinGen allele CA10581954.

ClinVar aggregate classification (germline): Uncertain significance. Review status: criteria provided, multiple submitters, no conflicts (2 of 4 stars). 3 submissions from 3 submitters: Uncertain significance (2). 1 of the submissions does not count toward it. Last evaluated 2024-07-29.

Conditions:
DIS3L2-related disorder. Also called: DIS3L2-related condition.
Perlman syndrome (PRLMNS). Identifiers: Orphanet 2849, MedGen C0796113, MONDO:0009965, OMIM 267000.

Allele frequency attached by ClinVar (database versions not stated): TOPMed 0.00002.
gnomAD v4.1: 8 of 1,613,844 alleles (0.0005%); highest among the groups gnomAD compares: Non-Finnish European, 0.00068%; no homozygotes.

Submissions (3):

Labcorp Genetics (formerly Invitae), Labcorp
Classification: Uncertain significance for Perlman syndrome. Last evaluated: 2024-07-29. Review status: criteria provided, single submitter. Criteria: Invitae Variant Classification Sherloc (09022015). Collection method: clinical testing. Allele origin: germline.
Comment: This sequence change replaces proline, which is neutral and non-polar, with threonine, which is neutral and polar, at codon 142 of the DIS3L2 protein (p.Pro142Thr). This variant is present in population databases (no rsID available, gnomAD 0.0009%). This variant has not been reported in the literature in individuals affected with DIS3L2-related conditions. ClinVar contains an entry for this variant (Variation ID: 241981). An algorithm developed to predict the effect of missense changes on protein structure and function (PolyPhen-2) suggests that this variant is likely to be tolerated. In summary, the available evidence is currently insufficient to determine the role of this variant in disease. Therefore, it has been classified as a Variant of Uncertain Significance.

Fulgent Genetics
Classification: Uncertain significance for Perlman syndrome. Last evaluated: 2021-08-04. Review status: criteria provided, single submitter. Criteria: ACMG Guidelines, 2015. Collection method: clinical testing. Allele origin: unknown.

PreventionGenetics, part of Exact Sciences
Classification: Uncertain significance for DIS3L2-related condition. Last evaluated: 2024-08-27. Review status: no assertion criteria provided. Collection method: clinical testing. Allele origin: germline. Not counted in ClinVar's aggregate classification.
Comment: The DIS3L2 c.424C>A variant is predicted to result in the amino acid substitution p.Pro142Thr. To our knowledge, this variant has not been reported in the literature. This variant is reported in 0.00088% of alleles in individuals of European (Non-Finnish) descent in gnomAD, and is classified as a variant of uncertain significance in ClinVar. At this time, the clinical significance of this variant is uncertain due to the absence of conclusive functional and genetic evidence.